The following is an entry in ClinVar:

NM_001288705.3(CSF1R):c.159_161del (p.Pro54del)

Gene: CSF1R (colony stimulating factor 1 receptor; minus strand). Cytogenetic location: 5q32.
Variant type: Deletion.
Coding change: c.159_161del on transcript NM_001288705.3 (MANE Select); coding-DNA positions 159 to 161, 3 bases deleted (CCC; older notation c.159_161delCCC).
Protein change: p.Pro54del; deletes proline 54.
Molecular consequence: 5 prime UTR variant (on NM_001375321.1). On other transcripts: non-coding transcript variant (2).
Genome position (GRCh38, 1-based): chr5:150,080,913-150,080,915, GGG deleted on the plus strand (CCC on the coding strand, the reverse complement: CSF1R is on the minus strand); deleting any 3 consecutive bases within chr5:150,080,913-150,080,918 gives the same sequence; the c. name uses the placement nearest the transcript's 3' end. VCF-style (leftmost placement, unchanged base first): chr5-150080912-TGGG-T. GRCh37 (hg19) VCF-style: chr5-149460475-TGGG-T.
Other names: c.159_161del, p.Pro54del (NM_001349736.2, NM_001375320.1, NM_005211.4); c.-286_-284del (NM_001375321.1); short protein forms P54del.
Identifiers: ClinVar variation 4768338 (VCV004768338.1).

ClinVar aggregate classification (germline): Uncertain significance (1 of 4 stars; one submission).

Submission:

Labcorp Genetics (formerly Invitae), Labcorp
Classification: Uncertain significance. Last evaluated: 2025-10-06. Review status: criteria provided, single submitter. Criteria: Invitae Variant Classification Sherloc (09022015). Collection method: clinical testing. Allele origin: germline.
Comment: This variant, c.159_161del, results in the deletion of 1 amino acid(s) of the CSF1R protein (p.Pro54del), but otherwise preserves the integrity of the reading frame. This variant is present in population databases (rs753211296, gnomAD 0.004%). This variant has not been reported in the literature in individuals affected with CSF1R-related conditions. Experimental studies and prediction algorithms are not available or were not evaluated, and the functional significance of this variant is currently unknown. In summary, the available evidence is currently insufficient to determine the role of this variant in disease. Therefore, it has been classified as a Variant of Uncertain Significance.